The following is an entry in ClinVar:

NM_000127.3(EXT1):c.1352G>A (p.Gly451Glu)

Gene: EXT1 (exostosin glycosyltransferase 1; minus strand). Cytogenetic location: 8q24.11.
Variant type: single nucleotide variant.
Coding change: c.1352G>A on transcript NM_000127.3 (MANE Select); coding-DNA position 1352, G replaced by A.
Protein change: p.Gly451Glu; replaces glycine 451 with glutamic acid.
Molecular consequence: missense variant.
Genome position (GRCh38, 1-based): chr8:117,822,530, C>T on the plus strand (G>A on the coding strand, the complement: EXT1 is on the minus strand). VCF-style: chr8-117822530-C-T. GRCh37 (hg19) VCF-style: chr8-118834769-C-T.
Other names: short protein forms G451E.
Identifiers: ClinVar variation 938886 (VCV000938886.9), dbSNP rs1430395411, ClinGen allele CA371887793.

ClinVar aggregate classification (germline): Uncertain significance (1 of 4 stars; one submission).

Conditions:
Multiple congenital exostosis (EXT). Also called: Multiple exostoses; Hereditary multiple exostoses; Hereditary multiple exostosis; Hereditary multiple osteochondromas; MULTIPLE CARTILAGINOUS EXOSTOSES; Multiple osteochondromas. Identifiers: Orphanet 321, MedGen C0015306, MONDO:0005508, HP:0002762.

Submission:

Labcorp Genetics (formerly Invitae), Labcorp
Classification: Uncertain significance for Multiple congenital exostosis. Last evaluated: 2019-06-24. Review status: criteria provided, single submitter. Criteria: Invitae Variant Classification Sherloc (09022015). Collection method: clinical testing. Allele origin: germline.
Comment: This variant is not present in population databases (ExAC no frequency). This sequence change replaces glycine with glutamic acid at codon 451 of the EXT1 protein (p.Gly451Glu). The glycine residue is moderately conserved and there is a moderate physicochemical difference between glycine and glutamic acid. This variant has not been reported in the literature in individuals with EXT1-related conditions. In summary, the available evidence is currently insufficient to determine the role of this variant in disease. Therefore, it has been classified as a Variant of Uncertain Significance. Algorithms developed to predict the effect of missense changes on protein structure and function are either unavailable or do not agree on the potential impact of this missense change (SIFT: "Deleterious"; PolyPhen-2: "Possibly Damaging"; Align-GVGD: "Class C0").